The following is an entry in ClinVar:

NM_025179.4(PLXNA2):c.927C>T (p.Leu309=)

Gene: PLXNA2 (plexin A2; minus strand). Cytogenetic location: 1q32.2.
Variant type: single nucleotide variant.
Coding change: c.927C>T on transcript NM_025179.4 (MANE Select); coding-DNA position 927, C replaced by T.
Protein change: p.Leu309=; no amino-acid change (leucine 309 retained).
Molecular consequence: synonymous variant.
Genome position (GRCh38, 1-based): chr1:208,216,996, G>A on the plus strand (C>T on the coding strand, the complement: PLXNA2 is on the minus strand). VCF-style: chr1-208216996-G-A. GRCh37 (hg19) VCF-style: chr1-208390341-G-A.
Identifiers: ClinVar variation 5001603 (VCV005001603.1).

ClinVar aggregate classification (germline): Likely benign (1 of 4 stars; one submission).

Conditions:
PLXNA2-related disorder. Also called: PLXNA2-related condition.

Submission:

PreventionGenetics, part of Exact Sciences
Classification: Likely benign for PLXNA2-related condition. Last evaluated: 2025-01-29. Review status: criteria provided, single submitter. Criteria: ACMG Guidelines, 2015. Collection method: clinical testing. Allele origin: germline.
Comment: This variant is classified as likely benign based on ACMG/AMP sequence variant interpretation guidelines (Richards et al. 2015 PMID: 25741868, with internal and published modifications).